The following is an entry in ClinVar:

NM_006005.3(WFS1):c.684C>G (p.Arg228=)

Gene: WFS1 (wolframin ER transmembrane glycoprotein; plus strand). Cytogenetic location: 4p16.1.
Variant type: single nucleotide variant.
Coding change: c.684C>G on transcript NM_006005.3 (MANE Select); coding-DNA position 684, C replaced by G.
Protein change: p.Arg228=; no amino-acid change (arginine 228 retained).
Molecular consequence: synonymous variant.
Genome position (GRCh38, 1-based): chr4:6,291,969, C>G. VCF-style: chr4-6291969-C-G. GRCh37 (hg19) VCF-style: chr4-6293696-C-G.
Other names: p.Arg228=; c.684C>G, p.Arg228= (NM_001145853.1).
Identifiers: ClinVar variation 45460 (VCV000045460.38), dbSNP rs1801213, ClinGen allele CA136359.

ClinVar aggregate classification (germline): Benign. Review status: criteria provided, multiple submitters, no conflicts (2 of 4 stars). 15 submissions from 14 submitters: Benign (11). 4 of the submissions do not count toward it. Last evaluated 2026-02-04.

Conditions:
WFS1-Related Spectrum Disorders.
Wolfram syndrome 1 (WFS1). Identifiers: Orphanet 3463, MedGen C4551693, MONDO:0009101, OMIM 222300.
Autosomal dominant nonsyndromic hearing loss 6 (LFSNHL). Also called: DEAFNESS, AUTOSOMAL DOMINANT 6; DEAFNESS, AUTOSOMAL DOMINANT 14; DEAFNESS, AUTOSOMAL DOMINANT 38; Autosomal dominant nonsyndromic deafness 6. Identifiers: Orphanet 90635, MedGen C1833021, MONDO:0010963, OMIM 600965.

Allele frequency attached by ClinVar (database versions not stated): ESP Exome Variant Server 0.67806; gnomAD 0.68223 and 0.69024; TOPMed 0.69856; gnomAD exomes 0.71684; ExAC 0.72120; 1000 Genomes Project 0.75639; 1000 Genomes Project 30x 0.75703.

Submissions (15):

Labcorp Genetics (formerly Invitae), Labcorp
Classification: Benign. Last evaluated: 2026-02-04. Review status: criteria provided, single submitter. Criteria: Invitae Variant Classification Sherloc (09022015). Collection method: clinical testing. Allele origin: germline.

Blueprint Genetics
Classification: Benign. Last evaluated: 2024-11-27. Review status: criteria provided, single submitter. Criteria: ACMG Guidelines, 2015. Collection method: clinical testing. Allele origin: germline.

Mayo Clinic Laboratories, Mayo Clinic
Classification: Benign. Last evaluated: 2022-03-24. Review status: criteria provided, single submitter. Criteria: ACMG Guidelines, 2015. Collection method: clinical testing. Allele origin: germline. Observed: 583 variant alleles.

Illumina Laboratory Services, Illumina
Classification: Benign for WFS1-Related Spectrum Disorders. Last evaluated: 2018-01-12. Review status: criteria provided, single submitter. Criteria: ICSL Variant Classification Criteria 13 December 2019. Collection method: clinical testing. Allele origin: germline.
Comment: This variant was observed in the ICSL laboratory as part of a predisposition screen in an ostensibly healthy population. It had not been previously curated by ICSL or reported in the Human Gene Mutation Database (HGMD: prior to June 1st, 2018), and was therefore a candidate for classification through an automated scoring system. Utilizing variant allele frequency, disease prevalence and penetrance estimates, and inheritance mode, an automated score was calculated to assess if this variant is too frequent to cause the disease. Based on the score and internal cut-off values, a variant classified as benign is not then subjected to further curation. The score for this variant resulted in a classification of benign for this disease.

Illumina Laboratory Services, Illumina
Classification: Benign for Autosomal dominant nonsyndromic hearing loss 6. Last evaluated: 2018-01-12. Review status: criteria provided, single submitter. Criteria: ICSL Variant Classification Criteria 13 December 2019. Collection method: clinical testing. Allele origin: germline.
Comment: the same text as in the submission from Illumina Laboratory Services, Illumina above.

GeneDx
Classification: Benign. Last evaluated: 2015-03-03. Review status: criteria provided, single submitter. Criteria: GeneDx Variant Classification Process June 2021. Collection method: clinical testing. Allele origin: germline. Affected: yes.

Eurofins Ntd Llc (ga)
Classification: Benign. Last evaluated: 2014-10-17. Review status: criteria provided, single submitter. Criteria: EGL Classification Definitions 2015. Collection method: clinical testing. Allele origin: germline. Observed: 1 variant allele, 1 heterozygote.

Laboratory for Molecular Medicine, Mass General Brigham Personalized Medicine
Classification: Benign. Last evaluated: 2012-02-28. Review status: criteria provided, single submitter. Criteria: LMM Criteria. Collection method: clinical testing. Allele origin: germline. Observed: 1,517 variant alleles.

Breakthrough Genomics
Classification: Benign. Review status: criteria provided, single submitter. Criteria: ACMG Guidelines, 2015. Collection method: not provided. Allele origin: germline. Inheritance: Autosomal recessive inheritance. Affected: yes.

Clinical Genomics, Uppaluri K&H Personalized Medicine Clinic
Classification: Benign for Wolfram syndrome 1. Review status: criteria provided, single submitter. Criteria: K & H Uppaluri Personalized Medicine Clinic Variant Classification & Assertion Criteria_Updated V.1. Collection method: research. Allele origin: unknown. Inheritance: Autosomal recessive inheritance.
Comment: Mutations in WFS1 gene are associated with Wolfram's syndrome, an autosomal recessive condition, which cause diabetes mellitus, diabetes insipidus, deafness and optic atrophy. rs1801213 variant is also seen in patients with Diabetes Mellitus. However, the role of this particular variant is yet to be ascertained.

PreventionGenetics, part of Exact Sciences
Classification: Benign. Review status: criteria provided, single submitter. Criteria: ACMG Guidelines, 2015. Collection method: clinical testing. Allele origin: germline.

Clinical Genetics DNA and cytogenetics Diagnostics Lab, Erasmus MC, Erasmus Medical Center
Classification: Benign. Review status: no assertion criteria provided. Collection method: clinical testing. Allele origin: germline. Affected: yes. Study: VKGL Data-share Consensus. Not counted in ClinVar's aggregate classification.

Diagnostic Laboratory, Department of Genetics, University Medical Center Groningen
Classification: Benign. Review status: no assertion criteria provided. Collection method: clinical testing. Allele origin: germline. Affected: yes. Study: VKGL Data-share Consensus. Not counted in ClinVar's aggregate classification.

Genetic Services Laboratory, University of Chicago
Classification: Likely benign for AllHighlyPenetrant. Review status: no assertion criteria provided. Collection method: clinical testing. Allele origin: germline. Inheritance: Autosomal recessive inheritance. Not counted in ClinVar's aggregate classification.
Comment: Likely benign based on allele frequency in 1000 Genomes Project or ESP global frequency and its presence in a patient with a rare or unrelated disease phenotype. NOT Sanger confirmed.

Joint Genome Diagnostic Labs from Nijmegen and Maastricht, Radboudumc and MUMC+
Classification: Benign. Review status: no assertion criteria provided. Collection method: clinical testing. Allele origin: germline. Affected: yes. Study: VKGL Data-share Consensus. Not counted in ClinVar's aggregate classification.

Literature cited by the submitters: PubMed 21127832 (cited by Clinical Genomics, Uppaluri K&H Personalized Medicine Clinic).